The following is an entry in ClinVar:

NM_012330.4(KAT6B):c.1045_1049del (p.Leu349fs)

Gene: KAT6B (lysine acetyltransferase 6B; plus strand). Cytogenetic location: 10q22.2.
Variant type: Deletion.
Coding change: c.1045_1049del on transcript NM_012330.4 (MANE Select); coding-DNA positions 1045 to 1049, 5 bases deleted (TTAAA; older notation c.1045_1049delTTAAA).
Protein change: p.Leu349fs; shifts the reading frame from leucine 349.
Molecular consequence: frameshift variant. On other transcripts: intron variant (5).
Genome position (GRCh38, 1-based): chr10:74,972,623-74,972,627, TTAAA deleted; deleting any 5 consecutive bases within chr10:74,972,619-74,972,627 gives the same sequence; the c. name uses the placement nearest the transcript's 3' end. VCF-style (leftmost placement, unchanged base first): chr10-74972618-ATAAAT-A. GRCh37 (hg19) VCF-style: chr10-76732376-ATAAAT-A.
Other names: c.1045_1049del, p.Leu349fs (NM_001256468.2, NM_001256469.2, NM_001370132.1 and 7 more transcripts); c.846+2848_846+2852del (NM_001370133.1); c.193-6601_193-6597del (NM_001370134.1); c.928+2522_928+2526del (NM_001370143.1, NM_001370144.1); c.192+12545_192+12549del (NM_001370135.1); short protein forms L349fs.
Identifiers: ClinVar variation 3893307 (VCV003893307.1).

ClinVar aggregate classification (germline): Pathogenic (1 of 4 stars; one submission).

Submission:

GeneDx
Classification: Pathogenic. Last evaluated: 2024-10-23. Review status: criteria provided, single submitter. Criteria: GeneDx Variant Classification Process June 2021. Collection method: clinical testing. Allele origin: germline. Affected: yes.
Comment: Not observed at significant frequency in large population cohorts (gnomAD); Frameshift variant predicted to result in protein truncation or nonsense mediated decay in a gene for which loss of function is a known mechanism of disease; This variant is associated with the following publications: (PMID: 29226580)